The following is an entry in ClinVar:

ClinVar aggregate classification (germline): Benign/Likely benign. Review status: criteria provided, multiple submitters, no conflicts (2 of 4 stars). 7 submissions from 7 submitters: Benign (1); Likely benign (3). 3 of the submissions do not count toward it. Last evaluated 2026-01-12.

Conditions:
Multiple congenital anomalies-hypotonia-seizures syndrome 2 (MCAHS2). Also called: EPILEPTIC ENCEPHALOPATHY, EARLY INFANTILE, 20; GLYCOSYLPHOSPHATIDYLINOSITOL BIOSYNTHESIS DEFECT 4. Identifiers: Orphanet 300496, MedGen C3275508, MONDO:0010466, OMIM 300868.
PIGA-related disorder. Also called: PIGA-related condition.

Allele frequency attached by ClinVar (database versions not stated): gnomAD 0.00004 and 0.00006; TOPMed 0.00005; gnomAD exomes 0.00018 and 0.00031; ExAC 0.00028.
gnomAD v4.1: 210 of 1,194,617 alleles (0.018%); highest among the groups gnomAD compares: South Asian, 0.24%; no homozygotes.

Submissions (7):

Labcorp Genetics (formerly Invitae), Labcorp
Classification: Benign for Multiple congenital anomalies-hypotonia-seizures syndrome 2. Last evaluated: 2026-01-12. Review status: criteria provided, single submitter. Criteria: Invitae Variant Classification Sherloc (09022015). Collection method: clinical testing. Allele origin: germline.

Blueprint Genetics
Classification: Likely benign. Last evaluated: 2024-11-28. Review status: criteria provided, single submitter. Criteria: ACMG Guidelines, 2015. Collection method: clinical testing. Allele origin: germline.

CeGaT Center for Human Genetics Tuebingen
Classification: Likely benign. Last evaluated: 2022-11-01. Review status: criteria provided, single submitter. Criteria: CeGaT Center For Human Genetics Tuebingen Variant Classification Criteria Version 2. Collection method: clinical testing. Allele origin: germline. Affected: yes. Observed: 1 variant allele.
Comment: PIGA: BP4, BS2

GeneDx
Classification: Likely benign. Last evaluated: 2017-10-27. Review status: criteria provided, single submitter. Criteria: GeneDx Variant Classification (06012015). Collection method: clinical testing. Allele origin: germline. Affected: yes.
Comment: This variant is considered likely benign or benign based on one or more of the following criteria: it is a conservative change, it occurs at a poorly conserved position in the protein, it is predicted to be benign by multiple in silico algorithms, and/or has population frequency not consistent with disease.

PreventionGenetics, part of Exact Sciences
Classification: Likely benign for PIGA-related condition. Last evaluated: 2019-06-27. Review status: no assertion criteria provided. Collection method: clinical testing. Allele origin: germline. Not counted in ClinVar's aggregate classification.
Comment: This variant is classified as likely benign based on ACMG/AMP sequence variant interpretation guidelines (Richards et al. 2015 PMID: 25741868, with internal and published modifications).

Clinical Genetics DNA and cytogenetics Diagnostics Lab, Erasmus MC, Erasmus Medical Center
Classification: Likely benign. Review status: no assertion criteria provided. Collection method: clinical testing. Allele origin: germline. Affected: yes. Study: VKGL Data-share Consensus. Not counted in ClinVar's aggregate classification.

Genome Diagnostics Laboratory, University Medical Center Utrecht
Classification: Likely benign. Review status: no assertion criteria provided. Collection method: clinical testing. Allele origin: germline. Affected: yes. Study: VKGL Data-share Consensus. Not counted in ClinVar's aggregate classification.

NM_002641.4(PIGA):c.981+8G>A

Gene: PIGA (phosphatidylinositol glycan anchor biosynthesis class A; minus strand). Cytogenetic location: Xp22.2.
Variant type: single nucleotide variant.
Coding change: c.981+8G>A on transcript NM_002641.4 (MANE Select); 8 bases into the intron after coding-DNA position 981, G replaced by A.
Molecular consequence: intron variant.
Genome position (GRCh38, 1-based): chrX:15,325,012, C>T on the plus strand (G>A on the coding strand, the complement: PIGA is on the minus strand). VCF-style: chrX-15325012-C-T. GRCh37 (hg19) VCF-style: chrX-15343134-C-T.
Other names: c.279+8G>A (NM_020473.3).
Identifiers: ClinVar variation 512943 (VCV000512943.40), dbSNP rs778602062, ClinGen allele CA10354097.
Genomic context (GRCh38, chrX:15,325,012, plus strand): 5'-GGAATGTGTCTCATTATTTTTCAAAATACACAGAAATCCCAACCATGAATGCCCTCAAAG[C>T]TTTTTACCTGTAAACCACAACTGGCTGCTTCCACGATCGCCATGCAGAATGCTTCAGTAA-3'